The following is an entry in ClinVar:

NM_000520.6(HEXA):c.1220del (p.Val407fs)

Gene: HEXA (hexosaminidase subunit alpha; minus strand). Cytogenetic location: 15q23.
Variant type: Deletion.
Coding change: c.1220del on transcript NM_000520.6 (MANE Select); coding-DNA position 1220, one base deleted (T; older notation c.1220delT).
Protein change: p.Val407fs; shifts the reading frame from valine 407.
Molecular consequence: frameshift variant.
Genome position (GRCh38, 1-based): chr15:72,346,637, A deleted on the plus strand (T on the coding strand, the reverse complement: HEXA is on the minus strand). VCF-style (leftmost placement, unchanged base first): chr15-72346636-GA-G. GRCh37 (hg19) VCF-style: chr15-72638977-GA-G.
Other names: c.1220delT (NM_000520.5); c.1253del, p.Val418fs (NM_001318825.2); short protein forms V407fs, V418fs.
Identifiers: ClinVar variation 1068668 (VCV001068668.8), dbSNP rs2140320741, ClinGen allele CA2499223076.
Genomic context (GRCh38, chr15:72,346,636, plus strand): 5'-ATAGGATATACGGTTCAGGTACCAGGGGGCAGAGAGAAGGGCCCGGAAGCCGGCCTTGGT[GA>G]CCAGTTCCAGCTCCTTCATATAGTTCACTGGAATATCCTCTCGCCACACCTGTATGATTG-3'

ClinVar aggregate classification (germline): Pathogenic/Likely pathogenic. Review status: criteria provided, multiple submitters, no conflicts (2 of 4 stars). 2 submissions from 2 submitters: Pathogenic (1); Likely pathogenic (1). Last evaluated 2025-11-30.

Conditions:
Tay-Sachs disease (TSD). Also called: HEXA DEFICIENCY; HEXA Disorders; GM2 gangliosidosis, type 1; Hexosaminidase alpha-subunit deficiency (variant B); Sphingolipidosis, Tay-Sachs; Hexosaminidase A Deficiency. Identifiers: Orphanet 845, MedGen C0039373, MONDO:0010100, OMIM 272800.

Submissions (2):

Natera, Inc.
Classification: Likely pathogenic for Tay-Sachs disease. Last evaluated: 2025-11-30. Review status: criteria provided, single submitter. Criteria: Natera Variant Classification Schema (03/2026). Collection method: clinical testing. Allele origin: germline.
Comment: The c.1220delT variant in HEXA is a frameshift variant predicted to shift the reading frame beginning at codon 407 and leads to a stop codon 16 codons downstream. This variant is expected to result in nonsense mediated decay, truncation, or a dysfunctional protein product. This variant is rare in the general population with a frequency below the threshold expected for the associated phenotype(s). Given the available evidence, this variant is classified as Likely Pathogenic.

Labcorp Genetics (formerly Invitae), Labcorp
Classification: Pathogenic for Tay-Sachs disease. Last evaluated: 2021-03-22. Review status: criteria provided, single submitter. Criteria: Invitae Variant Classification Sherloc (09022015). Collection method: clinical testing. Allele origin: germline.
Comment: For these reasons, this variant has been classified as Pathogenic. This variant has not been reported in the literature in individuals with HEXA-related conditions. This variant is not present in population databases (ExAC no frequency). This sequence change creates a premature translational stop signal (p.Val407Alafs*16) in the HEXA gene. It is expected to result in an absent or disrupted protein product. Loss-of-function variants in HEXA are known to be pathogenic (PMID: 1833974, 8490625).

Literature cited by the submitters: PubMed 1833974 (cited by Labcorp Genetics (formerly Invitae), Labcorp); PubMed 8490625 (cited by Labcorp Genetics (formerly Invitae), Labcorp).